The following is an entry in ClinVar:

ClinVar aggregate classification (germline): Pathogenic. Review status: criteria provided, multiple submitters, no conflicts (2 of 4 stars). 4 submissions from 4 submitters: Pathogenic (3). 1 of the submissions does not count toward it. Last evaluated 2025-10-16.

Conditions:
Mucopolysaccharidosis, MPS-II (MPS2). Also called: IDS deficiency; Sulfoiduronate sulfatase deficiency; SIDS deficiency; Attenuated MPS (subtype; formerly known as mild MPS II); Severe MPS II; I2S deficiency. Identifiers: Orphanet 580, Orphanet 79388, MedGen C0026705, MONDO:0010674, OMIM 309900.

Submissions (4):

3billion
Classification: Pathogenic for Mucopolysaccharidosis, MPS-II. Last evaluated: 2025-10-16. Review status: criteria provided, single submitter. Criteria: ACMG Guidelines, 2015. Collection method: clinical testing. Allele origin: germline. Affected: yes.
Comment: The variant is not observed in the gnomAD v4.1.0 dataset. Predicted Consequence/Location: Stop-gained (nonsense): predicted to result in a loss or disruption of normal protein function through nonsense-mediated decay (NMD) or protein truncation. Multiple pathogenic variants are reported downstream of the variant. The variant has been reported at least twice as pathogenic with clinical assertions and evidence for the classification (ClinVar ID: VCV000988686 /PMID: 33676511). Therefore, this variant is classified as Pathogenic according to the recommendation of ACMG/AMP guideline.

Laboratory of Diagnosis and Therapy of Lysosomal Disorders, University of Padova
Classification: Pathogenic for Mucopolysaccharidosis, MPS-II. Last evaluated: 2024-06-07. Review status: criteria provided, single submitter. Criteria: ACMG Guidelines, 2015. Collection method: literature only. Allele origin: germline. Affected: yes. Observed: 2 variant alleles.
Comment: Null variant (PVS1_VeryStrong), Absent from controls (or at low frequency) in gnomAD database (PM2_Moderate), Patient’s phenotype or family history highly specific for the disease (PP4_Strong)

Classification method: ACMG Guidelines [PMID:25741868] with modifications

Revvity Omics, Revvity
Classification: Pathogenic for Mucopolysaccharidosis, MPS-II. Last evaluated: 2022-04-01. Review status: criteria provided, single submitter. Criteria: ACMG Guidelines, 2015. Collection method: clinical testing. Allele origin: germline.

Laboratory of Inherited Metabolic Diseases, Research centre for medical genetics
Classification: Pathogenic for Mucopolysaccharidosis, type II; MPS2. Review status: no assertion criteria provided. Collection method: research. Allele origin: germline. Affected: yes. Not counted in ClinVar's aggregate classification.

Literature cited by the submitters: PubMed 33676511 (cited by 3billion and Laboratory of Diagnosis and Therapy of Lysosomal Disorders, University of Padova); PubMed 34813777 (cited by Laboratory of Diagnosis and Therapy of Lysosomal Disorders, University of Padova).

NM_000202.8(IDS):c.829C>T (p.Gln277Ter)

Genes: IDS (iduronate 2-sulfatase; minus strand), LOC106050102 (IDS recombination region; plus strand). Cytogenetic location: Xq28.
Variant type: single nucleotide variant.
Coding change: c.829C>T on transcript NM_000202.8 (MANE Select); coding-DNA position 829, C replaced by T.
Protein change: p.Gln277Ter; replaces glutamine 277 with a stop codon.
Molecular consequence: nonsense. On other transcripts: non-coding transcript variant (1).
Genome position (GRCh38, 1-based): chrX:149,496,396, G>A on the plus strand (C>T on the coding strand, the complement: IDS is on the minus strand). VCF-style: chrX-149496396-G-A. GRCh37 (hg19) VCF-style: chrX-148577927-G-A.
Other names: c.559C>T, p.Gln187Ter (NM_001166550.4); c.829C>T, p.Gln277Ter (NM_006123.5); short protein forms Q187*, Q277*.
Identifiers: ClinVar variation 988686 (VCV000988686.7), dbSNP rs2089436387, ClinGen allele CA414521846.